The following is an entry in ClinVar:

NM_000218.3(KCNQ1):c.1394-13392T>A

Genes: KCNQ1 (potassium voltage-gated channel subfamily Q member 1; plus strand), KCNQ1OT1 (KCNQ1 opposite strand/antisense transcript 1; minus strand). Cytogenetic location: 11p15.5.
Variant type: single nucleotide variant.
Coding change: c.1394-13392T>A on transcript NM_000218.3 (MANE Select); 13392 bases into the intron before coding-DNA position 1394, T replaced by A.
Molecular consequence: intron variant. On other transcripts: non-coding transcript variant (1).
Genome position (GRCh38, 1-based): chr11:2,648,569, T>A. VCF-style: chr11-2648569-T-A. GRCh37 (hg19) VCF-style: chr11-2669799-T-A.
Other names: c.1124-13392T>A (NM_001406837.1); c.1298-13392T>A (NM_001406836.1); c.854-13392T>A (NM_001406838.1); c.1013-13392T>A (NM_181798.2).
Identifiers: ClinVar variation 5039569 (VCV005039569.1).

ClinVar aggregate classification (germline): Likely benign (1 of 4 stars; one submission).

gnomAD v4.1: 506 of 398,550 alleles (0.13%); highest among the groups gnomAD compares: African/African-American, 0.94%; 3 homozygotes.

Submission:

CeGaT Center for Human Genetics Tuebingen
Classification: Likely benign. Last evaluated: 2026-09-01. Review status: criteria provided, single submitter. Criteria: CeGaT Center For Human Genetics Tuebingen Variant Classification Criteria Version 2. Collection method: clinical testing. Allele origin: germline. Affected: yes. Observed: 3 variant alleles.
Comment: KCNQ1OT1: BS2